The following is an entry in ClinVar:

ClinVar aggregate classification (germline): Uncertain significance (1 of 4 stars; one submission).

gnomAD v4.1: 1 of 1,613,206 alleles (0.000062%); no homozygotes.

Submission:

Labcorp Genetics (formerly Invitae), Labcorp
Classification: Uncertain significance. Last evaluated: 2023-04-01. Review status: criteria provided, single submitter. Criteria: Invitae Variant Classification Sherloc (09022015). Collection method: clinical testing. Allele origin: germline.
Comment: In summary, the available evidence is currently insufficient to determine the role of this variant in disease. Therefore, it has been classified as a Variant of Uncertain Significance. Advanced modeling of protein sequence and biophysical properties (such as structural, functional, and spatial information, amino acid conservation, physicochemical variation, residue mobility, and thermodynamic stability) performed at Invitae indicates that this missense variant is expected to disrupt RAI1 protein function. This variant has not been reported in the literature in individuals affected with RAI1-related conditions. This variant is not present in population databases (gnomAD no frequency). This sequence change replaces histidine, which is basic and polar, with arginine, which is basic and polar, at codon 480 of the RAI1 protein (p.His480Arg).

NM_030665.4(RAI1):c.1439A>G (p.His480Arg)

Gene: RAI1 (retinoic acid induced 1; plus strand). Cytogenetic location: 17p11.2.
Variant type: single nucleotide variant.
Coding change: c.1439A>G on transcript NM_030665.4 (MANE Select); coding-DNA position 1439, A replaced by G.
Protein change: p.His480Arg; replaces histidine 480 with arginine.
Molecular consequence: missense variant.
Genome position (GRCh38, 1-based): chr17:17,794,387, A>G. VCF-style: chr17-17794387-A-G. GRCh37 (hg19) VCF-style: chr17-17697701-A-G.
Other names: short protein forms H480R.
Identifiers: ClinVar variation 2845831 (VCV002845831.3), dbSNP rs2508575785, ClinGen allele CA398547835.
Genomic context (GRCh38, chr17:17,794,387, plus strand): 5'-CGCAGAAGAAAGGTGTCAAGAACCTCGTGTCCAGGACCCCAGAGCAGCATAAAAGCCAGC[A>G]CTGCAGCCCCGAAGGGAGCGGCTACTCAGCCGAGCCCGCAGGCACACCGCTGTCAGAGCC-3'
Protein context (NP_109590.3, residues 470-490): SRTPEQHKSQ[His480Arg]CSPEGSGYSA